The following is an entry in ClinVar:

ClinVar aggregate classification (germline): Uncertain significance (1 of 4 stars; one submission).

Submission:

GeneDx
Classification: Uncertain significance. Last evaluated: 2024-01-05. Review status: criteria provided, single submitter. Criteria: GeneDx Variant Classification Process June 2021. Collection method: clinical testing. Allele origin: germline. Affected: yes.
Comment: Not observed at significant frequency in large population cohorts (gnomAD); In silico analysis supports that this missense variant has a deleterious effect on protein structure/function; Has not been previously published as pathogenic or benign to our knowledge

NM_170606.3(KMT2C):c.2765C>T (p.Pro922Leu)

Gene: KMT2C (lysine methyltransferase 2C; minus strand). Cytogenetic location: 7q36.1.
Variant type: single nucleotide variant.
Coding change: c.2765C>T on transcript NM_170606.3 (MANE Select); coding-DNA position 2765, C replaced by T.
Protein change: p.Pro922Leu; replaces proline 922 with leucine.
Molecular consequence: missense variant.
Genome position (GRCh38, 1-based): chr7:152,235,821, G>A on the plus strand (C>T on the coding strand, the complement: KMT2C is on the minus strand). VCF-style: chr7-152235821-G-A. GRCh37 (hg19) VCF-style: chr7-151932906-G-A.
Other names: short protein forms P922L.
Identifiers: ClinVar variation 3365317 (VCV003365317.1).